The following is an entry in ClinVar:

NM_052874.5(STX1B):c.625C>T (p.Arg209Cys)

Gene: STX1B (syntaxin 1B; minus strand). Cytogenetic location: 16p11.2.
Variant type: single nucleotide variant.
Coding change: c.625C>T on transcript NM_052874.5 (MANE Select); coding-DNA position 625, C replaced by T.
Protein change: p.Arg209Cys; replaces arginine 209 with cysteine.
Molecular consequence: missense variant.
Genome position (GRCh38, 1-based): chr16:30,993,397, G>A on the plus strand (C>T on the coding strand, the complement: STX1B is on the minus strand). VCF-style: chr16-30993397-G-A. GRCh37 (hg19) VCF-style: chr16-31004718-G-A.
Other names: short protein forms R209C.
Identifiers: ClinVar variation 4698790 (VCV004698790.1).
Genomic context (GRCh38, chr16:30,993,397, plus strand): 5'-GAGCCAGTACCTGGCTCTCTACGAGCATGGCCATGTCCACAAACATATCGTGCAGCTCGC[G>A]GATGCTGGTCTCCAGCTTGATGATCTCATTGTGCCTCGTCTCAATCTCATTCAGCGCCTG-3'
Protein context (NP_443106.1, residues 199-219): NEIIKLETSI[Arg209Cys]ELHDMFVDMA

ClinVar aggregate classification (germline): Uncertain significance (1 of 4 stars; one submission).

Conditions:
Generalized epilepsy with febrile seizures plus, type 9 (GEFSP9). Also called: GEFS+, TYPE 9. Identifiers: Orphanet 36387, MedGen C4015395, MONDO:0014517, OMIM 616172.

Submission:

Labcorp Genetics (formerly Invitae), Labcorp
Classification: Uncertain significance for Generalized epilepsy with febrile seizures plus, type 9. Last evaluated: 2025-04-16. Review status: criteria provided, single submitter. Criteria: Invitae Variant Classification Sherloc (09022015). Collection method: clinical testing. Allele origin: germline.
Comment: This sequence change replaces arginine, which is basic and polar, with cysteine, which is neutral and slightly polar, at codon 209 of the STX1B protein (p.Arg209Cys). This variant is present in population databases (no rsID available, gnomAD 0.0009%). This variant has not been reported in the literature in individuals affected with STX1B-related conditions. Invitae Evidence Modeling of protein sequence and biophysical properties (such as structural, functional, and spatial information, amino acid conservation, physicochemical variation, residue mobility, and thermodynamic stability) indicates that this missense variant is not expected to disrupt STX1B protein function with a negative predictive value of 80%. In summary, the available evidence is currently insufficient to determine the role of this variant in disease. Therefore, it has been classified as a Variant of Uncertain Significance.